The following is an entry in ClinVar:

NM_000444.6(PHEX):c.1701-1del

Genes: PTCHD1-AS (PTCHD1 and PHEX antisense RNA; minus strand), PHEX (phosphate regulating endopeptidase X-linked; plus strand). Cytogenetic location: Xp22.11.
Variant type: Deletion.
Coding change: c.1701-1del on transcript NM_000444.6 (MANE Select); the canonical splice acceptor site of the intron before coding-DNA position 1701, one base deleted (G; older notation c.1701-1delG).
Molecular consequence: splice acceptor variant.
Genome position (GRCh38, 1-based): chrX:22,219,035, G deleted. VCF-style (leftmost placement, unchanged base first): chrX-22219034-AG-A. GRCh37 (hg19) VCF-style: chrX-22237151-AG-A.
Other names: c.1701-1del (NM_001282754.2).
Identifiers: ClinVar variation 835719 (VCV000835719.8), dbSNP rs1935180194, ClinGen allele CA916083859.

ClinVar aggregate classification (germline): Likely pathogenic (1 of 4 stars; one submission).

Submission:

Labcorp Genetics (formerly Invitae), Labcorp
Classification: Likely pathogenic. Last evaluated: 2019-09-11. Review status: criteria provided, single submitter. Criteria: Invitae Variant Classification Sherloc (09022015). Collection method: clinical testing. Allele origin: germline.
Comment: This variant has not been reported in the literature in individuals with PHEX-related conditions. In summary, the currently available evidence indicates that the variant is pathogenic, but additional data are needed to prove that conclusively. Therefore, this variant has been classified as Likely Pathogenic. Donor and acceptor splice site variants typically lead to a loss of protein function (PMID: 16199547), and loss-of-function variants in PHEX are known to be pathogenic (PMID: 9097956, 9106524, 19219621). Algorithms developed to predict the effect of sequence changes on RNA splicing suggest that this variant may disrupt the consensus splice site, but this prediction has not been confirmed by published transcriptional studies. This variant is not present in population databases (ExAC no frequency). This sequence change affects an acceptor splice site in intron 16 of the PHEX gene. It is expected to disrupt RNA splicing and likely results in an absent or disrupted protein product.

Literature cited by the submitters: PubMed 16199547; PubMed 9097956; PubMed 9106524; PubMed 19219621.